The following continues an entry in ClinVar:

NM_007194.4(CHEK2):c.1423T>A (p.Phe475Ile)

Gene: CHEK2. ClinVar aggregate classification (germline): Conflicting classifications of pathogenicity. Uncertain significance (10); Likely benign (4).

Submissions 12 to 16 of 16:

Sema4
Classification: Uncertain significance for Hereditary cancer-predisposing syndrome. Last evaluated: 2021-12-18. Review status: criteria provided, single submitter. Criteria: Sema4 Curation Guidelines. Collection method: curation. Allele origin: germline.
Comment: The CHEK2 c.1423T>A (p.F475I) variant has been reported in heterozygosity in at least one individual with breast cancer (PMID: 27616075). It was observed in 8/124198 chromosomes in the Non-Finnish European subpopulation in the large and broad cohorts of the Genome Aggregation Database (PMID: 32461654). This variant has been reported in ClinVar (Variation ID: 141046). In silico predictions of the variant's effect on protein function are benign and a yeast-based DNA damage repair assay has shown that this variant results in normal function of the protein (PMID: 30851065). The evidence is insufficient to meet ACMG/AMP criteria for classifying the variant as benign or pathogenic. Thus, the clinical significance of this variant is currently uncertain.

Women's Health and Genetics/Laboratory Corporation of America, LabCorp
Classification: Uncertain significance. Last evaluated: 2018-10-09. Review status: criteria provided, single submitter. Criteria: LabCorp Variant Classification Summary - May 2015. Collection method: clinical testing. Allele origin: germline.
Comment: Variant summary: CHEK2 c.1423T>A (p.Phe475Ile) results in a non-conservative amino acid change located in the Protein kinase domain of the encoded protein sequence. Four of five in-silico tools predict a benign effect of the variant on protein function. The variant allele was found at a frequency of 3.1e-05 in 260162 control chromosomes. The available data on variant occurrences in the general population are insufficient to allow any conclusion about variant significance. c.1423T>A has been reported in the literature in one individual affected with Breast and Ovarian Cancer. This report does not provide unequivocal conclusions about association of the variant with Hereditary Breast and Ovarian Cancer. To our knowledge, no experimental evidence demonstrating an impact on protein function has been reported. Five clinical diagnostic laboratories have submitted clinical-significance assessments for this variant to ClinVar after 2014 without evidence for independent evaluation and all classified the variant as uncertain significance. Based on the evidence outlined above, the variant was classified as uncertain significance.

Mendelics
Classification: Uncertain significance for Familial cancer of breast. Last evaluated: 2018-07-02. Review status: criteria provided, single submitter. Criteria: Mendelics Assertion Criteria 2017. Collection method: clinical testing. Allele origin: unknown.

Counsyl
Classification: Uncertain significance for Familial cancer of breast. Last evaluated: 2017-01-13. Review status: no assertion criteria provided. Collection method: clinical testing. Allele origin: unknown. Not counted in ClinVar's aggregate classification.

Department of Pathology and Laboratory Medicine, Sinai Health System
Classification: Uncertain significance for Malignant tumor of breast. Review status: no assertion criteria provided. Collection method: clinical testing. Allele origin: unknown. Affected: yes. Study: The Canadian Open Genetics Repository (COGR). Not counted in ClinVar's aggregate classification.
Comment: The CHEK2 p.Phe475Ile variant was not identified in the literature nor was it identified in Cosmic, MutDB, or Zhejiang Colon Cancer Database. The variant was identified in dbSNP (ID: rs370968992) â€šÃ„ÃºWith Uncertain significance alleleâ€šÃ„Ã¹, ClinVar (classified as uncertain significance by Ambry Genetics, GeneDx, and Invitae), Clinvitae and the NHLBI GO Exome Sequencing Project in 1 of 4692 chromosomes (frequency 0.0002). The variant was not identified in the 1000 Genomes Project, genome Aggregation or the Exome Aggregation Consortium (August 8th 2016) control databases. The p.Phe475 residue is not conserved in mammals and computational analyses (PolyPhen-2, SIFT, AlignGVGD, BLOSUM, MutationTaster) do not suggest a high likelihood of impact to the protein; however, this information is not predictive enough to rule out pathogenicity. The variant occurs outside of the splicing consensus sequence and 1 of 5 in silico or computational prediction software programs (SpliceSiteFinder, MaxEntScan, NNSPLICE, GeneSplicer, HumanSpliceFinder) predict a greater than 10% difference in splicing; this is not very predictive of pathogenicity. In summary, based on the above information the clinical significance of this variant cannot be determined with certainty at this time. This variant is classified as a variant of uncertain significance.

Literature cited by the submitters: PubMed 27616075 (cited by 6 submitters); PubMed 35264596 (cited by 3 submitters); PubMed 35980532 (cited by Labcorp Genetics (formerly Invitae), Labcorp and Quest Diagnostics Nichols Institute San Juan Capistrano); PubMed 37449874 (cited by Labcorp Genetics (formerly Invitae), Labcorp and Ambry Genetics); PubMed 30851065 (cited by 5 submitters); PubMed 25085752 (cited by Myriad Genetics, Inc.).